The following is an entry in ClinVar:

ClinVar aggregate classification (germline): Likely benign (0 of 4 stars; one submission).

Conditions:
NRP1-related disorder. Also called: NRP1-related condition.

Allele frequency attached by ClinVar (database versions not stated): gnomAD exomes 0.00005; 1000 Genomes Project 30x 0.00016; 1000 Genomes Project 0.00020; ExAC 0.00021; ESP Exome Variant Server 0.00031; gnomAD 0.00045; TOPMed 0.00057.
gnomAD v4.1: 141 of 1,613,256 alleles (0.0087%); highest among the groups gnomAD compares: African/African-American, 0.15%; no homozygotes.

Submission:

PreventionGenetics, part of Exact Sciences
Classification: Likely benign for NRP1-related condition. Last evaluated: 2022-04-07. Review status: no assertion criteria provided. Collection method: clinical testing. Allele origin: germline.
Comment: This variant is classified as likely benign based on ACMG/AMP sequence variant interpretation guidelines (Richards et al. 2015 PMID: 25741868, with internal and published modifications).

NM_003873.7(NRP1):c.2088A>G (p.Gln696=)

Gene: NRP1 (neuropilin 1; minus strand). Cytogenetic location: 10p11.22.
Variant type: single nucleotide variant.
Coding change: c.2088A>G on transcript NM_003873.7 (MANE Select); coding-DNA position 2088, A replaced by G.
Protein change: p.Gln696=; no amino-acid change (glutamine 696 retained).
Molecular consequence: synonymous variant. On other transcripts: non-coding transcript variant (1).
Genome position (GRCh38, 1-based): chr10:33,186,463, T>C on the plus strand (A>G on the coding strand, the complement: NRP1 is on the minus strand). VCF-style: chr10-33186463-T-C. GRCh37 (hg19) VCF-style: chr10-33475391-T-C.
Other names: c.2070A>G, p.Gln690= (NM_001244972.2); c.2067A>G, p.Gln689= (NM_001244973.2); c.2088A>G, p.Gln696= (NM_001330068.2).
Identifiers: ClinVar variation 3055156 (VCV003055156.2), dbSNP rs144063412, ClinGen allele CA5466257.
Genomic context (GRCh38, chr10:33,186,463, plus strand): 5'-CTGGGAATAAACCACAGGGCTCACCAGGCGAGCCACTTTGCCCTTCTGATTTTCGTCAGC[T>C]TGGGAATAGATGAAGTTGCCATCTCCTGCTGTGACAAAGAACTGTGTTAGGGAGAGTGGC-3'
Protein context (NP_003864.5, residues 686-706): HTGDGNFIYS[Gln696=]ADENQKGKVA